The following is an entry in ClinVar:

ClinVar aggregate classification (germline): Likely benign. Review status: criteria provided, multiple submitters, no conflicts (2 of 4 stars). 2 submissions from 2 submitters: Likely benign (2). Last evaluated 2026-01-27.

Conditions:
COG7 congenital disorder of glycosylation (CDG2E). Also called: CONGENITAL DISORDER OF GLYCOSYLATION, TYPE IIe; CDG IIe. Identifiers: Orphanet 79333, MedGen C2931010, MONDO:0012118, OMIM 608779.

Allele frequency attached by ClinVar (database versions not stated): gnomAD exomes 0.00007; ExAC 0.00008; ESP Exome Variant Server 0.00023; TOPMed 0.00029; gnomAD 0.00041 and 0.00046.
gnomAD v4.1: 109 of 1,565,864 alleles (0.007%); highest among the groups gnomAD compares: African/African-American, 0.14%; no homozygotes.

Submissions (2):

Labcorp Genetics (formerly Invitae), Labcorp
Classification: Likely benign for COG7 congenital disorder of glycosylation. Last evaluated: 2026-01-27. Review status: criteria provided, single submitter. Criteria: Invitae Variant Classification Sherloc (09022015). Collection method: clinical testing. Allele origin: germline.

GeneDx
Classification: Likely benign. Last evaluated: 2016-04-15. Review status: criteria provided, single submitter. Criteria: GeneDx Variant Classification (06012015). Collection method: clinical testing. Allele origin: germline. Affected: yes.
Comment: This variant is considered likely benign or benign based on one or more of the following criteria: it is a conservative change, it occurs at a poorly conserved position in the protein, it is predicted to be benign by multiple in silico algorithms, and/or has population frequency not consistent with disease.

NM_153603.4(COG7):c.319-18C>A

Gene: COG7 (component of oligomeric golgi complex 7; minus strand). Cytogenetic location: 16p12.2.
Variant type: single nucleotide variant.
Coding change: c.319-18C>A on transcript NM_153603.4 (MANE Select); 18 bases into the intron before coding-DNA position 319, C replaced by A.
Molecular consequence: intron variant.
Genome position (GRCh38, 1-based): chr16:23,445,182, G>T on the plus strand (C>A on the coding strand, the complement: COG7 is on the minus strand). VCF-style: chr16-23445182-G-T. GRCh37 (hg19) VCF-style: chr16-23456503-G-T.
Identifiers: ClinVar variation 384900 (VCV000384900.5), dbSNP rs370957274, ClinGen allele CA7961339.